The following is an entry in ClinVar:

ClinVar aggregate classification (germline): Uncertain significance (1 of 4 stars; one submission).

gnomAD v4.1: 1 of 1,613,926 alleles (0.000062%); highest among the groups gnomAD compares: Non-Finnish European, 0.000085%; no homozygotes.

Submission:

GeneDx
Classification: Uncertain significance. Last evaluated: 2023-11-08. Review status: criteria provided, single submitter. Criteria: GeneDx Variant Classification Process June 2021. Collection method: clinical testing. Allele origin: germline. Affected: yes.
Comment: Not observed at significant frequency in large population cohorts (gnomAD); In silico analysis supports that this missense variant does not alter protein structure/function; Has not been previously published as pathogenic or benign to our knowledge

NM_012082.4(ZFPM2):c.563C>T (p.Ala188Val)

Genes: ZFPM2 (zinc finger protein, FOG family member 2; plus strand), ZFPM2-AS1 (ZFPM2 antisense RNA 1; minus strand). Cytogenetic location: 8q23.1.
Variant type: single nucleotide variant.
Coding change: c.563C>T on transcript NM_012082.4 (MANE Select); coding-DNA position 563, C replaced by T.
Protein change: p.Ala188Val; replaces alanine 188 with valine.
Molecular consequence: missense variant.
Genome position (GRCh38, 1-based): chr8:105,788,748, C>T. VCF-style: chr8-105788748-C-T. GRCh37 (hg19) VCF-style: chr8-106800976-C-T.
Other names: c.404C>T, p.Ala135Val (NM_001362836.2); c.167C>T, p.Ala56Val (NM_001362837.2); short protein forms A135V, A188V, A56V.
Identifiers: ClinVar variation 3364085 (VCV003364085.1).
Genomic context (GRCh38, chr8:105,788,748, plus strand): 5'-TTTTATCTTTTTCTTTTTTCTTCTTAATAGGGGGTCAGCTTTGGTGTACAACTACGAAGG[C>T]CATCTCTGAGGGTGAAGAGCTAATTGCCTTTGTGGTGGATTTTGACTCAAGGCTACAAGC-3'
Protein context (NP_036214.2, residues 178-198): GGQLWCTTTK[Ala188Val]ISEGEELIAF